The following is an entry in ClinVar:

ClinVar aggregate classification (germline): Pathogenic (1 of 4 stars; one submission).

Conditions:
Hereditary cancer-predisposing syndrome. Also called: Hereditary Cancer Syndrome; Hereditary neoplastic syndrome; Neoplastic Syndromes, Hereditary; Tumor predisposition. Identifiers: Orphanet 140162, MedGen C0027672, MeSH D009386, MONDO:0015356.

Submission:

Ambry Genetics
Classification: Pathogenic for Hereditary cancer-predisposing syndrome. Last evaluated: 2016-10-07. Review status: criteria provided, single submitter. Criteria: Ambry Variant Classification Scheme 2023. Collection method: clinical testing. Allele origin: germline.
Comment: The c.1310_1313dupAAGA pathogenic mutation, located in coding exon 9 of the BRCA2 gene, results from a duplication of AAGA at nucleotide position 1310, causing a translational frameshift with a predicted alternate stop codon. This alteration is expected to result in loss of function by premature protein truncation or nonsense-mediated mRNA decay. As such, this alteration is interpreted as a disease-causing mutation.

NM_000059.4(BRCA2):c.1310_1313dup (p.Asp438fs)

Gene: BRCA2 (BRCA2 DNA repair associated; plus strand). Cytogenetic location: 13q13.1.
Variant type: Microsatellite.
Coding change: c.1310_1313dup on transcript NM_000059.4 (MANE Select); coding-DNA positions 1310 to 1313, 4 bases duplicated (AAGA; older notation c.1310_1313dupAAGA).
Protein change: p.Asp438fs; shifts the reading frame from aspartic acid 438.
Molecular consequence: frameshift variant.
Genome position (GRCh38, 1-based): chr13:32,332,788-32,332,791, AAGA duplicated; duplicating any 4 consecutive bases within chr13:32,332,779-32,332,791 gives the same sequence; the c. name uses the placement nearest the transcript's 3' end. VCF-style (leftmost placement, unchanged base first): chr13-32332778-A-AAAAG. GRCh37 (hg19) VCF-style: chr13-32906915-A-AAAAG.
Other names: c.1310_1313dupAAGA (NM_000059.3); c.1302_1305AAGA[4], p.Asp438Glufs (NM_000059.3, NM_001406719.1, NM_001406720.1 and 1 more transcripts); short protein forms D438fs.
Identifiers: ClinVar variation 1769642 (VCV001769642.2), dbSNP rs80359277, ClinGen allele CA2580614650.